The following is an entry in ClinVar:

ClinVar aggregate classification (germline): Pathogenic (1 of 4 stars; one submission).

Submission:

CeGaT Center for Human Genetics Tuebingen
Classification: Pathogenic. Last evaluated: 2024-02-01. Review status: criteria provided, single submitter. Criteria: CeGaT Center For Human Genetics Tuebingen Variant Classification Criteria Version 2. Collection method: clinical testing. Allele origin: germline. Affected: yes. Observed: 1 variant allele.
Comment: PHIP: PVS1, PM2

NM_017934.7(PHIP):c.1949_1950delinsGTTG (p.Leu650fs)

Gene: PHIP (PHIP subunit of CUL4-Ring ligase complex; minus strand). Cytogenetic location: 6q14.1.
Variant type: Indel.
Coding change: c.1949_1950delinsGTTG on transcript NM_017934.7 (MANE Select); coding-DNA positions 1949 to 1950, TA replaced by GTTG.
Protein change: p.Leu650fs; shifts the reading frame from leucine 650.
Molecular consequence: frameshift variant.
Genome position (GRCh38, 1-based): chr6:78,998,321-78,998,322, TA replaced by CAAC on the plus strand (TA replaced by GTTG on the coding strand, the reverse complement: PHIP is on the minus strand). VCF-style: chr6-78998321-TA-CAAC. GRCh37 (hg19) VCF-style: chr6-79708038-TA-CAAC.
Other names: short protein forms L650fs.
Identifiers: ClinVar variation 3027385 (VCV003027385.22), dbSNP rs2482046568, ClinGen allele CA2740091447.
Genomic context (GRCh38, chr6:78,998,321, plus strand): 5'-TAAACGGCTGGTATTACTGATAACTGCTTCACCAGAACGTCTCAGGTCTTGCTCCTGTTG[TA>CAAC]GTCTTTGAATCATGCTGTCCAGTGGGCTGATCTCCTGGTTTGCTTGCTGACTTAAAACTT-3'